The following is an entry in ClinVar:

NM_004937.3(CTNS):c.691C>T (p.Gln231Ter)

Genes: CTNS (cystinosin, lysosomal cystine transporter; plus strand), CTNS-AS1 (CTNS antisense RNA 1; minus strand). Cytogenetic location: 17p13.2.
Variant type: single nucleotide variant.
Coding change: c.691C>T on transcript NM_004937.3 (MANE Select); coding-DNA position 691, C replaced by T.
Protein change: p.Gln231Ter; replaces glutamine 231 with a stop codon.
Molecular consequence: nonsense.
Genome position (GRCh38, 1-based): chr17:3,658,014, C>T. VCF-style: chr17-3658014-C-T. GRCh37 (hg19) VCF-style: chr17-3561308-C-T.
Other names: c.691C>T (NM_001031681.2, NM_004937.2); c.691C>T, p.Gln231Ter (NM_001031681.3, NM_001374492.1); c.250C>T, p.Gln84Ter (NM_001374493.1, NM_001374494.1, NM_001374495.1 and 1 more transcripts); short protein forms Q231*, Q84*.
Identifiers: ClinVar variation 804418 (VCV000804418.6), dbSNP rs1463026342, ClinGen allele CA397692197.

ClinVar aggregate classification (germline): Pathogenic/Likely pathogenic. Review status: criteria provided, multiple submitters, no conflicts (2 of 4 stars). 5 submissions from 5 submitters: Pathogenic (3); Likely pathogenic (1). 1 of the submissions does not count toward it. Last evaluated 2025-08-04.

Conditions:
Nephropathic cystinosis (CTNS). Also called: Abderhalden Lignac Kaufmann disease; Abderhalden-Kaufmann-Lignac syndrome; CYSTINOSIN, DEFECT OF; LYSOSOMAL CYSTINE TRANSPORT PROTEIN, DEFECT OF. Identifiers: Orphanet 213, Orphanet 411629, MedGen C2931187, MONDO:0100151, OMIM 219800.
Ocular cystinosis. Also called: Non-Nephropathic Cystinosis; Non-Nephropathic (Ocular) Cystinosis. Identifiers: Orphanet 213, Orphanet 411641, MedGen C2931013, MONDO:0009064, OMIM 219750.
Juvenile nephropathic cystinosis. Also called: Intermediate Cystinosis; CYSTINOSIS, LATE-ONSET JUVENILE OR ADOLESCENT NEPHROPATHIC TYPE; Later-Onset (Juvenile) Cystinosis. Identifiers: Orphanet 213, Orphanet 411634, MedGen C0268626, MONDO:0009066, OMIM 219900.
CTNS-related disorder. Also called: CTNS-related condition.

Allele frequency attached by ClinVar (database versions not stated): gnomAD exomes below 0.00001.

Submissions (5):

First Genomix Gene Laboratory, Genetic Diagnostics Department
Classification: Pathogenic for Nephropathic cystinosis; Juvenile nephropathic cystinosis; Ocular cystinosis. Last evaluated: 2025-08-04. Review status: criteria provided, single submitter. Criteria: ACMG Guidelines, 2015. Collection method: clinical testing. Allele origin: germline. Inheritance: Autosomal recessive inheritance. Affected: no. Observed: 1 variant allele.

GeneDx
Classification: Pathogenic. Last evaluated: 2025-01-15. Review status: criteria provided, single submitter. Criteria: GeneDx Variant Classification Process June 2021. Collection method: clinical testing. Allele origin: germline. Affected: yes.
Comment: Nonsense variant predicted to result in protein truncation or nonsense mediated decay in a gene for which loss of function is a known mechanism of disease; Not observed at significant frequency in large population cohorts (gnomAD); This variant is associated with the following publications: (PMID: 36768921)

Baylor Genetics
Classification: Pathogenic for Nephropathic cystinosis. Last evaluated: 2024-03-16. Review status: criteria provided, single submitter. Criteria: ACMG Guidelines, 2015. Collection method: clinical testing. Allele origin: unknown.

Hadassah Hebrew University Medical Center
Classification: Likely pathogenic for Nephropathic cystinosis; Juvenile nephropathic cystinosis; Ocular cystinosis. Last evaluated: 2019-06-20. Review status: criteria provided, single submitter. Criteria: ACMG Guidelines, 2015. Collection method: clinical testing. Allele origin: germline. Inheritance: Autosomal recessive inheritance. Affected: yes.

PreventionGenetics, part of Exact Sciences
Classification: Pathogenic for CTNS-related condition. Last evaluated: 2024-06-14. Review status: no assertion criteria provided. Collection method: clinical testing. Allele origin: germline. Not counted in ClinVar's aggregate classification.
Comment: The CTNS c.691C>T variant is predicted to result in premature protein termination (p.Gln231*). This variant was reported in the homozygous state in one individual with genetically confirmed cystinosis (Nemutlu et al. 2023. PubMed ID: 36768921). This variant has not been reported in a large population database, indicating this variant is rare. Nonsense variants in CTNS are expected to be pathogenic. This variant is interpreted as pathogenic.